The following is an entry in ClinVar:

NM_014629.4(ARHGEF10):c.2273C>T (p.Ser758Leu)

Gene: ARHGEF10 (Rho guanine nucleotide exchange factor 10; plus strand). Cytogenetic location: 8p23.3.
Variant type: single nucleotide variant.
Coding change: c.2273C>T on transcript NM_014629.4 (MANE Select); coding-DNA position 2273, C replaced by T.
Protein change: p.Ser758Leu; replaces serine 758 with leucine.
Molecular consequence: missense variant.
Genome position (GRCh38, 1-based): chr8:1,923,481, C>T. VCF-style: chr8-1923481-C-T. GRCh37 (hg19) VCF-style: chr8-1871647-C-T.
Other names: c.2159C>T, p.Ser720Leu (NM_001308152.2); c.2273C>T, p.Ser758Leu (NM_001308153.3); short protein forms S720L, S758L, S782L.
Identifiers: ClinVar variation 2995609 (VCV002995609.3), dbSNP rs992581499, ClinGen allele CA170611035.

ClinVar aggregate classification (germline): Uncertain significance (1 of 4 stars; one submission).

Allele frequency attached by ClinVar (database versions not stated): gnomAD 0.00001; gnomAD exomes 0.00001.

Submission:

Labcorp Genetics (formerly Invitae), Labcorp
Classification: Uncertain significance. Last evaluated: 2024-01-04. Review status: criteria provided, single submitter. Criteria: Invitae Variant Classification Sherloc (09022015). Collection method: clinical testing. Allele origin: germline.
Comment: This sequence change replaces serine, which is neutral and polar, with leucine, which is neutral and non-polar, at codon 758 of the ARHGEF10 protein (p.Ser758Leu). This variant is present in population databases (no rsID available, gnomAD 0.0009%). This variant has not been reported in the literature in individuals affected with ARHGEF10-related conditions. Advanced modeling of protein sequence and biophysical properties (such as structural, functional, and spatial information, amino acid conservation, physicochemical variation, residue mobility, and thermodynamic stability) performed at Invitae indicates that this missense variant is not expected to disrupt ARHGEF10 protein function with a negative predictive value of 80%. In summary, the available evidence is currently insufficient to determine the role of this variant in disease. Therefore, it has been classified as a Variant of Uncertain Significance.